The following is an entry in ClinVar:

ClinVar aggregate classification (germline): Uncertain significance. Review status: criteria provided, multiple submitters, no conflicts (2 of 4 stars). 2 submissions from 2 submitters: Uncertain significance (2). Last evaluated 2025-11-24.

Conditions:
BRAF-related disorder. Also called: BRAF-related condition.
RASopathy. Also called: Noonan spectrum disorder; rasopathies. Identifiers: Orphanet 536391, MedGen C5555857, MONDO:0021060.

gnomAD v4.1: 3 of 1,614,138 alleles (0.00019%); highest among the groups gnomAD compares: African/African-American, 0.0027%; no homozygotes.

Submissions (2):

Labcorp Genetics (formerly Invitae), Labcorp
Classification: Uncertain significance for RASopathy. Last evaluated: 2025-11-24. Review status: criteria provided, single submitter. Criteria: Invitae Variant Classification Sherloc (09022015). Collection method: clinical testing. Allele origin: germline.
Comment: This sequence change replaces serine, which is neutral and polar, with proline, which is neutral and non-polar, at codon 325 of the BRAF protein (p.Ser325Pro). This variant is present in population databases (no rsID available, gnomAD 0.007%). This variant has not been reported in the literature in individuals affected with BRAF-related conditions. ClinVar contains an entry for this variant (Variation ID: 2630812). Invitae Evidence Modeling of protein sequence and biophysical properties (such as structural, functional, and spatial information, amino acid conservation, physicochemical variation, residue mobility, and thermodynamic stability) indicates that this missense variant is not expected to disrupt BRAF protein function with a negative predictive value of 80%. In summary, the available evidence is currently insufficient to determine the role of this variant in disease. Therefore, it has been classified as a Variant of Uncertain Significance.

PreventionGenetics, part of Exact Sciences
Classification: Uncertain significance for BRAF-related condition. Last evaluated: 2023-09-09. Review status: criteria provided, single submitter. Criteria: ACMG Guidelines, 2015. Collection method: clinical testing. Allele origin: germline.
Comment: The BRAF c.973T>C variant is predicted to result in the amino acid substitution p.Ser325Pro. To our knowledge, this variant has not been reported in the literature. This variant is reported in 0.0062% of alleles in individuals of African descent in gnomAD. At this time, the clinical significance of this variant is uncertain due to the absence of conclusive functional and genetic evidence.

NM_004333.6(BRAF):c.973T>C (p.Ser325Pro)

Gene: BRAF (B-Raf proto-oncogene, serine/threonine kinase; minus strand). Cytogenetic location: 7q34.
Variant type: single nucleotide variant.
Coding change: c.973T>C on transcript NM_004333.6 (MANE Select); coding-DNA position 973, T replaced by C.
Protein change: p.Ser325Pro; replaces serine 325 with proline.
Molecular consequence: missense variant.
Genome position (GRCh38, 1-based): chr7:140,800,369, A>G on the plus strand (T>C on the coding strand, the complement: BRAF is on the minus strand). VCF-style: chr7-140800369-A-G. GRCh37 (hg19) VCF-style: chr7-140500169-A-G.
Other names: c.973T>C, p.Ser325Pro (NM_001354609.2, NM_001374244.1, NM_001374258.1 and 4 more transcripts); c.982T>C, p.Ser328Pro (NM_001378467.1); c.871T>C, p.Ser291Pro (NM_001378470.1); c.817T>C, p.Ser273Pro (NM_001378472.1, NM_001378473.1); c.709T>C, p.Ser237Pro (NM_001378475.1); short protein forms S237P, S273P, S291P, S325P, S328P.
Identifiers: ClinVar variation 2630812 (VCV002630812.2), dbSNP rs1257895069, ClinGen allele CA369590323.